The following is an entry in ClinVar:

ClinVar aggregate classification (germline): Uncertain significance. Review status: criteria provided, multiple submitters, no conflicts (2 of 4 stars). 2 submissions from 2 submitters: Uncertain significance (2). Last evaluated 2025-08-23.

Conditions:
Inborn genetic diseases. Identifiers: MedGen C0950123, MeSH D030342.

Allele frequency attached by ClinVar (database versions not stated): gnomAD exomes below 0.00001 and 0.00001; gnomAD 0.00001; ExAC 0.00005; 1000 Genomes Project 30x 0.00016; 1000 Genomes Project 0.00020.
gnomAD v4.1: 2 of 1,550,074 alleles (0.00013%); highest among the groups gnomAD compares: Admixed American, 0.0039%; no homozygotes.

Submissions (2):

Ambry Genetics
Classification: Uncertain significance for Inborn genetic diseases. Last evaluated: 2025-08-23. Review status: criteria provided, single submitter. Criteria: Ambry Variant Classification Scheme 2023. Collection method: clinical testing. Allele origin: germline.

GeneDx
Classification: Uncertain significance. Last evaluated: 2020-01-03. Review status: criteria provided, single submitter. Criteria: GeneDx Variant Classification Process June 2021. Collection method: clinical testing. Allele origin: germline. Affected: yes.
Comment: Has not been previously published as pathogenic or benign to our knowledge; In silico analysis, which includes protein predictors and evolutionary conservation, supports a deleterious effect

NM_032888.4(COL27A1):c.3628G>C (p.Gly1210Arg)

Gene: COL27A1 (collagen type XXVII alpha 1 chain; plus strand). Cytogenetic location: 9q32.
Variant type: single nucleotide variant.
Coding change: c.3628G>C on transcript NM_032888.4 (MANE Select); coding-DNA position 3628, G replaced by C.
Protein change: p.Gly1210Arg; replaces glycine 1210 with arginine.
Molecular consequence: missense variant.
Genome position (GRCh38, 1-based): chr9:114,275,679, G>C. VCF-style: chr9-114275679-G-C. GRCh37 (hg19) VCF-style: chr9-117037959-G-C.
Other names: short protein forms G1210R.
Identifiers: ClinVar variation 1181849 (VCV001181849.3), dbSNP rs553415571, ClinGen allele CA5202566.
Genomic context (GRCh38, chr9:114,275,679, plus strand): 5'-TTATTCTCTCTCTCTCTCCCCTCTTCATGCCCTGCCACCCAGGGGGACAGGGGAGACCCA[G>C]GGCCTGATGGAGAACATGGCGAGAAAGGCCAGGAAGGGCTGATGGGTGAGGACGGGCCCC-3'
Protein context (NP_116277.2, residues 1200-1220): DGLKGDRGDP[Gly1210Arg]PDGEHGEKGQ